The following is an entry in ClinVar:

NM_001655.5(ARCN1):c.553G>T (p.Gly185Ter)

Gene: ARCN1 (archain 1 coat protein complex I subunit delta; plus strand). Cytogenetic location: 11q23.3.
Variant type: single nucleotide variant.
Coding change: c.553G>T on transcript NM_001655.5 (MANE Select); coding-DNA position 553, G replaced by T.
Protein change: p.Gly185Ter; replaces glycine 185 with a stop codon.
Molecular consequence: nonsense.
Genome position (GRCh38, 1-based): chr11:118,583,914, G>T. VCF-style: chr11-118583914-G-T. GRCh37 (hg19) VCF-style: chr11-118454629-G-T.
Other names: c.289G>T, p.Gly97Ter (NM_001142281.2); short protein forms G185*, G97*.
Identifiers: ClinVar variation 1454993 (VCV001454993.6), dbSNP rs782373336, ClinGen allele CA382805487.

ClinVar aggregate classification (germline): Pathogenic (1 of 4 stars; one submission).

Submission:

Labcorp Genetics (formerly Invitae), Labcorp
Classification: Pathogenic. Last evaluated: 2021-12-13. Review status: criteria provided, single submitter. Criteria: Invitae Variant Classification Sherloc (09022015). Collection method: clinical testing. Allele origin: germline.
Comment: For these reasons, this variant has been classified as Pathogenic. This variant has not been reported in the literature in individuals affected with ARCN1-related conditions. This variant is not present in population databases (gnomAD no frequency). This sequence change creates a premature translational stop signal (p.Gly185*) in the ARCN1 gene. It is expected to result in an absent or disrupted protein product. Loss-of-function variants in ARCN1 are known to be pathogenic (PMID: 27476655).

Literature cited by the submitters: PubMed 27476655.